The following is an entry in ClinVar:

NM_003848.4(SUCLG2):c.1184-10C>T

Gene: SUCLG2 (succinate-CoA ligase GDP-forming subunit beta; minus strand). Cytogenetic location: 3p14.1.
Variant type: single nucleotide variant.
Coding change: c.1184-10C>T on transcript NM_003848.4 (MANE Select); 10 bases into the intron before coding-DNA position 1184, C replaced by T.
Molecular consequence: intron variant.
Genome position (GRCh38, 1-based): chr3:67,375,869, G>A on the plus strand (C>T on the coding strand, the complement: SUCLG2 is on the minus strand). VCF-style: chr3-67375869-G-A. GRCh37 (hg19) VCF-style: chr3-67426293-G-A.
Other names: c.1184-15101C>T (NM_001177599.2).
Identifiers: ClinVar variation 3045530 (VCV003045530.2), dbSNP rs775468197, ClinGen allele CA2485741.

ClinVar aggregate classification (germline): Likely benign (0 of 4 stars; one submission).

Conditions:
SUCLG2-related disorder. Also called: SUCLG2-related condition.

Allele frequency attached by ClinVar (database versions not stated): gnomAD exomes below 0.00001; ExAC 0.00001; gnomAD 0.00003; TOPMed 0.00003.
gnomAD v4.1: 45 of 1,611,648 alleles (0.0028%); highest among the groups gnomAD compares: Admixed American, 0.0067%; 1 homozygote.

Submission:

PreventionGenetics, part of Exact Sciences
Classification: Likely benign for SUCLG2-related condition. Last evaluated: 2019-10-03. Review status: no assertion criteria provided. Collection method: clinical testing. Allele origin: germline.
Comment: This variant is classified as likely benign based on ACMG/AMP sequence variant interpretation guidelines (Richards et al. 2015 PMID: 25741868, with internal and published modifications).